The following is an entry in ClinVar:

NM_000038.6(APC):c.4311A>G (p.Lys1437=)

Gene: APC (APC regulator of Wnt signaling pathway; plus strand). Cytogenetic location: 5q22.2.
Variant type: single nucleotide variant.
Coding change: c.4311A>G on transcript NM_000038.6 (MANE Select); coding-DNA position 4311, A replaced by G.
Protein change: p.Lys1437=; no amino-acid change (lysine 1437 retained).
Molecular consequence: synonymous variant.
Genome position (GRCh38, 1-based): chr5:112,839,905, A>G. VCF-style: chr5-112839905-A-G. GRCh37 (hg19) VCF-style: chr5-112175602-A-G.
Other names: c.4311A>G, p.Lys1437= (NM_001127510.3, NM_001354895.2); c.4257A>G, p.Lys1419= (NM_001127511.3); c.4365A>G, p.Lys1455= (NM_001354896.2); c.4341A>G, p.Lys1447= (NM_001354897.2); c.4236A>G, p.Lys1412= (NM_001354898.2); c.4227A>G, p.Lys1409= (NM_001354899.2); c.4188A>G, p.Lys1396= (NM_001354900.2); c.4134A>G, p.Lys1378= (NM_001354901.2); and 5 more.
Identifiers: ClinVar variation 186951 (VCV000186951.22), dbSNP rs371784771, ClinGen allele CA009432.
Genomic context (GRCh38, chr5:112,839,905, plus strand): 5'-TATAAGCCCCAGTGATCTTCCAGATAGCCCTGGACAAACCATGCCACCAAGCAGAAGTAA[A>G]ACACCTCCACCACCTCCTCAAACAGCTCAAACCAAGCGAGAAGTACCTAAAAATAAAGCA-3'
Protein context (NP_000029.2, residues 1427-1447): PGQTMPPSRS[Lys1437=]TPPPPPQTAQ

ClinVar aggregate classification (germline): Benign/Likely benign. Review status: criteria provided, multiple submitters, no conflicts (2 of 4 stars). 8 submissions from 8 submitters: Benign (1); Likely benign (6). 1 of the submissions does not count toward it. Last evaluated 2026-06-19.

Conditions:
Classic or attenuated familial adenomatous polyposis. Identifiers: MedGen CN372698, MONDO:0021057.
APC-related disorder. Also called: APC-related condition.
Hereditary cancer-predisposing syndrome. Also called: Neoplastic Syndromes, Hereditary; Tumor predisposition; Hereditary neoplastic syndrome; Hereditary Cancer Syndrome. Identifiers: Orphanet 140162, MedGen C0027672, MeSH D009386, MONDO:0015356.
Familial adenomatous polyposis 1 (FAP1). Also called: FAMILIAL ADENOMATOUS POLYPOSIS 1, ATTENUATED; POLYPOSIS, ADENOMATOUS INTESTINAL. Identifiers: MedGen C2713442, MONDO:0021056, OMIM 175100. Disease mechanism: loss of function.

Allele frequency attached by ClinVar (database versions not stated): gnomAD exomes 0.00001 and 0.00002; ESP Exome Variant Server 0.00008.
gnomAD v4.1: 11 of 1,614,070 alleles (0.00068%); highest among the groups gnomAD compares: South Asian, 0.0066%; no homozygotes.

Submissions (8):

PreventionGenetics, part of Exact Sciences
Classification: Likely benign for APC-related condition. Last evaluated: 2026-06-19. Review status: criteria provided, single submitter. Criteria: ACMG Guidelines, 2015. Collection method: clinical testing. Allele origin: germline.
Comment: This variant is classified as likely benign based on ACMG/AMP sequence variant interpretation guidelines (Richards et al. 2015 PMID: 25741868, with internal and published modifications).

Labcorp Genetics (formerly Invitae), Labcorp
Classification: Likely benign for Familial adenomatous polyposis 1. Last evaluated: 2026-01-07. Review status: criteria provided, single submitter. Criteria: Invitae Variant Classification Sherloc (09022015). Collection method: clinical testing. Allele origin: germline.

All of Us Research Program, National Institutes of Health
Classification: Likely benign for Classic or attenuated familial adenomatous polyposis. Last evaluated: 2023-10-02. Review status: criteria provided, single submitter. Criteria: ACMG Guidelines, 2015. Collection method: clinical testing. Allele origin: germline. Inheritance: Autosomal dominant inheritance. Observed: 4 variant alleles, 4 heterozygotes.
Comment: This study involves interpretation of variants in research participants for the purpose of population health screening. Participant phenotype was not available at the time of variant classification. Additional details can be found in publication PMID: 35346344, PMCID: PMC8962531

Myriad Genetics, Inc.
Classification: Benign for Familial adenomatous polyposis 1. Last evaluated: 2023-02-16. Review status: criteria provided, single submitter. Criteria: Myriad Autosomal Dominant, Autosomal Recessive and X-Linked Classification Criteria (2023). Collection method: clinical testing. Allele origin: unknown.
Comment: This variant is considered benign. This variant is a silent/synonymous amino acid change and it is not expected to impact splicing.

GeneDx
Classification: Likely benign. Last evaluated: 2018-09-19. Review status: criteria provided, single submitter. Criteria: GeneDx Variant Classification Process June 2021. Collection method: clinical testing. Allele origin: germline. Affected: yes.

Color Diagnostics, LLC DBA Color Health
Classification: Likely benign for Hereditary cancer-predisposing syndrome. Last evaluated: 2016-10-31. Review status: criteria provided, single submitter. Criteria: ACMG Guidelines, 2015. Collection method: clinical testing. Allele origin: germline.

Ambry Genetics
Classification: Likely benign for Hereditary cancer-predisposing syndrome. Last evaluated: 2014-10-28. Review status: criteria provided, single submitter. Criteria: Ambry Variant Classification Scheme 2023. Collection method: clinical testing. Allele origin: germline.

Counsyl
Classification: Likely benign for Familial adenomatous polyposis 1. Last evaluated: 2017-08-04. Review status: no assertion criteria provided. Collection method: clinical testing. Allele origin: unknown. Not counted in ClinVar's aggregate classification.